The following is an entry in ClinVar:

ClinVar aggregate classification (germline): Pathogenic (1 of 4 stars; one submission).

Conditions:
Marfan syndrome (MFS). Also called: MARFAN SYNDROME, TYPE I; Marfan syndrome type 1; Marfan's syndrome; Marfan syndrome, classic; FBN1-Related Marfan Syndrome. Identifiers: Orphanet 284963, Orphanet 558, MedGen C0024796, MONDO:0007947, OMIM 154700.
Familial thoracic aortic aneurysm and aortic dissection (TAAD). Also called: Thoracic aortic aneurysms and dissections. Identifiers: Orphanet 91387, MedGen C4707243, MONDO:0019625.

Submission:

Labcorp Genetics (formerly Invitae), Labcorp
Classification: Pathogenic for Marfan syndrome; Familial thoracic aortic aneurysm and aortic dissection. Last evaluated: 2024-12-24. Review status: criteria provided, single submitter. Criteria: Invitae Variant Classification Sherloc (09022015). Collection method: clinical testing. Allele origin: germline.
Comment: This sequence change creates a premature translational stop signal (p.Ile1154Tyrfs*5) in the FBN1 gene. It is expected to result in an absent or disrupted protein product. Loss-of-function variants in FBN1 are known to be pathogenic (PMID: 17657824, 19293843). This variant is not present in population databases (gnomAD no frequency). This variant has not been reported in the literature in individuals affected with FBN1-related conditions. For these reasons, this variant has been classified as Pathogenic.

Literature cited by the submitters: PubMed 17657824; PubMed 19293843.

NM_000138.5(FBN1):c.3459dup (p.Ile1154fs)

Gene: FBN1 (fibrillin 1; minus strand). Cytogenetic location: 15q21.1.
Variant type: Duplication.
Coding change: c.3459dup on transcript NM_000138.5 (MANE Select); coding-DNA position 3459, one base duplicated (T; older notation c.3459dupT).
Protein change: p.Ile1154fs; shifts the reading frame from isoleucine 1154.
Molecular consequence: frameshift variant.
Genome position (GRCh38, 1-based): chr15:48,487,316, A duplicated on the plus strand (T on the coding strand, the reverse complement: FBN1 is on the minus strand). VCF-style (leftmost placement, unchanged base first): chr15-48487315-T-TA. GRCh37 (hg19) VCF-style: chr15-48779512-T-TA.
Other names: c.3459dup, p.Ile1154fs (NM_001406716.1); short protein forms I1154fs.
Identifiers: ClinVar variation 3759234 (VCV003759234.2).